The following is an entry in ClinVar:

ClinVar aggregate classification (germline): Pathogenic. Review status: criteria provided, single submitter (1 of 4 stars). 2 submissions from 2 submitters: Pathogenic (1). 1 of the submissions does not count toward it.

Conditions:
Early-onset parkinsonism-intellectual disability syndrome (WSMN). Also called: BASAL GANGLION DISORDER WITH MENTAL RETARDATION; X-linked recessive basal ganglia disorder with mental retardation; Laxova Brown Hogan syndrome; Basal ganglia disorder with mental retardation. Identifiers: Orphanet 2379, MedGen C0796195, MONDO:0010709, OMIM 311510.

Submissions (2):

Neurogenetics Research; Murdoch Childrens Research Institute
Classification: Pathogenic. Review status: criteria provided, single submitter. Criteria: Submitter's publication. Collection method: not provided. Allele origin: germline.
Comment: X-linked disorder characterised by childhood onset intellectual disability and early-onset parkinsonism
ClinVar note: Converted during submission from pathogenic to Pathogenic.

OMIM
Classification: Pathogenic for WAISMAN SYNDROME. Last evaluated: 2014-12-04. Review status: no assertion criteria provided. Collection method: literature only. Allele origin: germline. Not counted in ClinVar's aggregate classification.

Literature cited by the submitters: PubMed 4025396 (cited by OMIM); PubMed 25434005 (cited by OMIM).

NM_171998.4(RAB39B):c.503C>A (p.Thr168Lys)

Gene: RAB39B (RAB39B, member RAS oncogene family; minus strand). Cytogenetic location: Xq28.
Variant type: single nucleotide variant.
Coding change: c.503C>A on transcript NM_171998.4 (MANE Select); coding-DNA position 503, C replaced by A.
Protein change: p.Thr168Lys; replaces threonine 168 with lysine.
Molecular consequence: missense variant.
Genome position (GRCh38, 1-based): chrX:155,260,942, G>T on the plus strand (C>A on the coding strand, the complement: RAB39B is on the minus strand). VCF-style: chrX-155260942-G-T. GRCh37 (hg19) VCF-style: chrX-154490227-G-T.
Other names: short protein forms T168K.
Identifiers: ClinVar variation 156532 (VCV000156532.3), dbSNP rs587777874, ClinGen allele CA175112.
Genomic context (GRCh38, chrX:155,260,942, plus strand): 5'-CCTTCCCAGCCCTCCTGGATTGTAATCTCCCCCCTTTTAACCAGCTCATATATGTCTCTT[G>T]TCAGGTCTGTGAAGGCTTTCTCCACATTAATGGCATCTCGGGCTGACGTTTCAATGTACT-3'
Protein context (NP_741995.1, residues 158-178): INVEKAFTDL[Thr168Lys]RDIYELVKRG